The following is an entry in ClinVar:

ClinVar aggregate classification (germline): Likely pathogenic (1 of 4 stars; one submission).

Conditions:
Developmental delay, behavioral abnormalities, and neuropsychiatric disorders (DEDBANP). Identifiers: MedGen C5774224, MONDO:0859292, OMIM 620065.

Submission:

Department of Clinical Genetics, Aarhus University Hospital
Classification: Likely pathogenic for Developmental delay, behavioral abnormalities, and neuropsychiatric disorders. Review status: criteria provided, single submitter. Criteria: ACMG Guidelines, 2015. Collection method: clinical testing. Allele origin: inherited. Inheritance: Autosomal dominant inheritance. Affected: yes. Observed: 3 variant alleles.
Comment: The variant is a canonical splice site variant predicted to result in out-of-frame exon 18 skipping. The variant is not seen in the gnomAD 4.1 database. According to the ACMG guidelines, this variant is interpreted as likely pathogenic (PM2_supporting, PVS1).

Literature cited by the submitters: PubMed 35907405.

NM_014921.5(ADGRL1):c.3126-1G>C

Genes: ADGRL1-AS1 (ADGRL1 antisense RNA 1; plus strand), ADGRL1 (adhesion G protein-coupled receptor L1; minus strand). Cytogenetic location: 19p13.12.
Variant type: single nucleotide variant.
Coding change: c.3126-1G>C on transcript NM_014921.5 (MANE Select); the canonical splice acceptor site of the intron before coding-DNA position 3126, G replaced by C.
Molecular consequence: splice acceptor variant.
Genome position (GRCh38, 1-based): chr19:14,155,528, C>G on the plus strand (G>C on the coding strand, the complement: ADGRL1 is on the minus strand). VCF-style: chr19-14155528-C-G. GRCh37 (hg19) VCF-style: chr19-14266340-C-G.
Other names: c.3141-1G>C (NM_001008701.3).
Identifiers: ClinVar variation 4845655 (VCV004845655.1).
Genomic context (GRCh38, chr19:14,155,528, plus strand): 5'-CCGAAAGCCCAGGTGAGGCCCAGCAGGAACAGCAGCGCGATGGCCCCCAGCGCCCAGGAT[C>G]TGGGAGTGGGGCGACAGGGGAGTCAAAGTACCCGCCGGAGGGGACGGCCTCAGCCCAGGC-3'